The following is an entry in ClinVar:

ClinVar aggregate classification (germline): Uncertain significance (1 of 4 stars; one submission).

Conditions:
Inflammatory skin and bowel disease, neonatal, 1. Identifiers: Orphanet 294023, MedGen C3280501, MONDO:0013693, OMIM 614328.

Allele frequency attached by ClinVar (database versions not stated): gnomAD exomes below 0.00001; gnomAD 0.00001; TOPMed 0.00002.

Submission:

Labcorp Genetics (formerly Invitae), Labcorp
Classification: Uncertain significance for Inflammatory skin and bowel disease, neonatal, 1. Last evaluated: 2022-08-16. Review status: criteria provided, single submitter. Criteria: Invitae Variant Classification Sherloc (09022015). Collection method: clinical testing. Allele origin: germline.
Comment: This variant is not present in population databases (gnomAD no frequency). This sequence change replaces leucine, which is neutral and non-polar, with serine, which is neutral and polar, at codon 380 of the ADAM17 protein (p.Leu380Ser). In summary, the available evidence is currently insufficient to determine the role of this variant in disease. Therefore, it has been classified as a Variant of Uncertain Significance. Algorithms developed to predict the effect of missense changes on protein structure and function are either unavailable or do not agree on the potential impact of this missense change (SIFT: "Not Available"; PolyPhen-2: "Probably Damaging"; Align-GVGD: "Not Available"). ClinVar contains an entry for this variant (Variation ID: 1345094). This variant has not been reported in the literature in individuals affected with ADAM17-related conditions.

NM_003183.6(ADAM17):c.1139T>C (p.Leu380Ser)

Gene: ADAM17 (ADAM metallopeptidase domain 17; minus strand). Cytogenetic location: 2p25.1.
Variant type: single nucleotide variant.
Coding change: c.1139T>C on transcript NM_003183.6 (MANE Select); coding-DNA position 1139, T replaced by C.
Protein change: p.Leu380Ser; replaces leucine 380 with serine.
Molecular consequence: missense variant.
Genome position (GRCh38, 1-based): chr2:9,517,953, A>G on the plus strand (T>C on the coding strand, the complement: ADAM17 is on the minus strand). VCF-style: chr2-9517953-A-G. GRCh37 (hg19) VCF-style: chr2-9658082-A-G.
Other names: c.479T>C, p.Leu160Ser (NM_001382777.1); c.242T>C, p.Leu81Ser (NM_001382778.1); short protein forms L160S, L380S, L81S.
Identifiers: ClinVar variation 1345094 (VCV001345094.8), dbSNP rs1188689290, ClinGen allele CA345779928.
Genomic context (GRCh38, chr2:9,517,953, plus strand): 5'-GAACATACCTTTGTAAGGATGGTTTTACCATAATTCTTTGTGCTCGTCAAACCACTATTC[A>G]AATAGATATTTTTCTTCCCAACTGGGCTATAATAAGCTAAAGTCAAAAGGAAACAGAGAT-3'
Protein context (NP_003174.3, residues 370-390): YSPVGKKNIY[Leu380Ser]NSGLTSTKNY